The following is an entry in ClinVar:

NM_001374828.1(ARID1B):c.4994C>A (p.Thr1665Lys)

Gene: ARID1B (AT-rich interaction domain 1B; plus strand). Cytogenetic location: 6q25.3.
Variant type: single nucleotide variant.
Coding change: c.4994C>A on transcript NM_001374828.1 (MANE Select); coding-DNA position 4994, C replaced by A.
Protein change: p.Thr1665Lys; replaces threonine 1665 with lysine.
Molecular consequence: missense variant.
Genome position (GRCh38, 1-based): chr6:157,201,219, C>A. VCF-style: chr6-157201219-C-A. GRCh37 (hg19) VCF-style: chr6-157522353-C-A.
Other names: c.4745C>A, p.Thr1582Lys (NM_001346813.1); c.2495C>A, p.Thr832Lys (NM_001363725.2); c.4874C>A, p.Thr1625Lys (NM_001371656.1, NM_001374820.1); c.4835C>A, p.Thr1612Lys (NM_017519.3); c.4625C>A, p.Thr1542Lys (NM_020732.3); c.4412C>A, p.Thr1471Lys (NM_175863.2); short protein forms T1582K, T1612K, T1471K, T1625K, T1665K, T832K, T1542K.
Identifiers: ClinVar variation 2073171 (VCV002073171.4), dbSNP rs570186838, ClinGen allele CA150370341.

ClinVar aggregate classification (germline): Uncertain significance (1 of 4 stars; one submission).

Submission:

Labcorp Genetics (formerly Invitae), Labcorp
Classification: Uncertain significance. Last evaluated: 2022-01-03. Review status: criteria provided, single submitter. Criteria: Invitae Variant Classification Sherloc (09022015). Collection method: clinical testing. Allele origin: germline.
Comment: This sequence change replaces threonine, which is neutral and polar, with lysine, which is basic and polar, at codon 1542 of the ARID1B protein (p.Thr1542Lys). In summary, the available evidence is currently insufficient to determine the role of this variant in disease. Therefore, it has been classified as a Variant of Uncertain Significance. Algorithms developed to predict the effect of missense changes on protein structure and function are either unavailable or do not agree on the potential impact of this missense change (SIFT: "Deleterious"; PolyPhen-2: "Probably Damaging"; Align-GVGD: "Class C0"). This variant has not been reported in the literature in individuals affected with ARID1B-related conditions. This variant is not present in population databases (gnomAD no frequency).